The following is an entry in ClinVar:

ClinVar aggregate classification (germline): Uncertain significance (1 of 4 stars; one submission).

Conditions:
Autosomal recessive severe congenital neutropenia due to CSF3R deficiency. Also called: Neutropenia, severe congenital, 7, autosomal recessive. Identifiers: Orphanet 420702, MedGen C4310764, MONDO:0014865, OMIM 617014.

Submission:

Labcorp Genetics (formerly Invitae), Labcorp
Classification: Uncertain significance for Neutropenia, severe congenital, 7, autosomal recessive. Last evaluated: 2019-10-30. Review status: criteria provided, single submitter. Criteria: Invitae Variant Classification Sherloc (09022015). Collection method: clinical testing. Allele origin: germline.
Comment: This sequence change replaces proline with histidine at codon 549 of the CSF3R protein (p.Pro549His). The proline residue is highly conserved and there is a moderate physicochemical difference between proline and histidine. This variant is not present in population databases (ExAC no frequency). This variant has not been reported in the literature in individuals with CSF3R-related conditions. Algorithms developed to predict the effect of missense changes on protein structure and function are either unavailable or do not agree on the potential impact of this missense change (SIFT: "Deleterious"; PolyPhen-2: "Probably Damaging"; Align-GVGD: "Class C0"). In summary, the available evidence is currently insufficient to determine the role of this variant in disease. Therefore, it has been classified as a Variant of Uncertain Significance.

NM_000760.4(CSF3R):c.1646C>A (p.Pro549His)

Gene: CSF3R (colony stimulating factor 3 receptor; minus strand). Cytogenetic location: 1p34.3.
Variant type: single nucleotide variant.
Coding change: c.1646C>A on transcript NM_000760.4 (MANE Select); coding-DNA position 1646, C replaced by A.
Protein change: p.Pro549His; replaces proline 549 with histidine.
Molecular consequence: missense variant.
Genome position (GRCh38, 1-based): chr1:36,468,152, G>T on the plus strand (C>A on the coding strand, the complement: CSF3R is on the minus strand). VCF-style: chr1-36468152-G-T. GRCh37 (hg19) VCF-style: chr1-36933753-G-T.
Other names: c.1646C>A, p.Pro549His (NM_156039.3, NM_172313.3); short protein forms P549H.
Identifiers: ClinVar variation 969620 (VCV000969620.1), dbSNP rs1650466012, ClinGen allele CA339418279.